The following is an entry in ClinVar:

ClinVar aggregate classification (germline): Uncertain significance (1 of 4 stars; one submission).

Conditions:
Glycine encephalopathy. Also called: Nonketotic hyperglycinemia; Non-ketotic hyperglycinemia. Identifiers: Orphanet 407, MedGen C0751748, MONDO:0011612, HP:0008288.

Submission:

Labcorp Genetics (formerly Invitae), Labcorp
Classification: Uncertain significance for Glycine encephalopathy. Last evaluated: 2024-10-25. Review status: criteria provided, single submitter. Criteria: Invitae Variant Classification Sherloc (09022015). Collection method: clinical testing. Allele origin: germline.
Comment: This sequence change replaces alanine, which is neutral and non-polar, with proline, which is neutral and non-polar, at codon 569 of the GLDC protein (p.Ala569Pro). This variant is present in population databases (rs151268759, gnomAD 0.0009%). This variant has not been reported in the literature in individuals affected with GLDC-related conditions. ClinVar contains an entry for this variant (Variation ID: 1523594). Invitae Evidence Modeling of protein sequence and biophysical properties (such as structural, functional, and spatial information, amino acid conservation, physicochemical variation, residue mobility, and thermodynamic stability) indicates that this missense variant is expected to disrupt GLDC protein function with a positive predictive value of 95%. In summary, the available evidence is currently insufficient to determine the role of this variant in disease. Therefore, it has been classified as a Variant of Uncertain Significance.

NM_000170.3(GLDC):c.1705G>C (p.Ala569Pro)

Gene: GLDC (glycine decarboxylase; minus strand). Cytogenetic location: 9p24.1.
Variant type: single nucleotide variant.
Coding change: c.1705G>C on transcript NM_000170.3 (MANE Select); coding-DNA position 1705, G replaced by C.
Protein change: p.Ala569Pro; replaces alanine 569 with proline.
Molecular consequence: missense variant.
Genome position (GRCh38, 1-based): chr9:6,588,403, C>G on the plus strand (G>C on the coding strand, the complement: GLDC is on the minus strand). VCF-style: chr9-6588403-C-G. GRCh37 (hg19) VCF-style: chr9-6588403-C-G.
Other names: short protein forms A569P.
Identifiers: ClinVar variation 1523594 (VCV001523594.6), dbSNP rs151268759, ClinGen allele CA4980568.
Genomic context (GRCh38, chr9:6,588,403, plus strand): 5'-GTGGAAGCTAGAACACTGCCCCTTGCTGAGTATCCACTTACAGAAGTGAGCTACTTACTG[C>G]GAGTTCAGACGAACTGTTCAGTTTCATGGTGCAGGATCCCTTTAAGAAGAACATCCAAAA-3'
Protein context (NP_000161.2, residues 559-579): TMKLNSSSEL[Ala569Pro]PITWKEFANI